The following is an entry in ClinVar:

ClinVar aggregate classification (germline): Uncertain significance (1 of 4 stars; one submission).

Conditions:
Hereditary cancer-predisposing syndrome. Also called: Tumor predisposition; Neoplastic Syndromes, Hereditary; Hereditary Cancer Syndrome; Hereditary neoplastic syndrome. Identifiers: Orphanet 140162, MedGen C0027672, MeSH D009386, MONDO:0015356.

Allele frequency attached by ClinVar (database versions not stated): gnomAD exomes below 0.00001.
gnomAD v4.1: 1 of 1,614,206 alleles (0.000062%); highest among the groups gnomAD compares: Non-Finnish European, 0.000085%; no homozygotes.

Submission:

Ambry Genetics
Classification: Uncertain significance for Hereditary cancer-predisposing syndrome. Last evaluated: 2017-10-16. Review status: criteria provided, single submitter. Criteria: Ambry Variant Classification Scheme 2023. Collection method: clinical testing. Allele origin: germline.
Comment: The p.N2472D variant (also known as c.7414A>G), located in coding exon 49 of the ATM gene, results from an A to G substitution at nucleotide position 7414. The asparagine at codon 2472 is replaced by aspartic acid, an amino acid with highly similar properties. This amino acid position is poorly conserved in available vertebrate species. In addition, this alteration is predicted to be tolerated by in silico analysis. Since supporting evidence is limited at this time, the clinical significance of this alteration remains unclear.

NM_000051.4(ATM):c.7414A>G (p.Asn2472Asp)

Genes: ATM (ATM serine/threonine kinase; plus strand), C11orf65 (chromosome 11 open reading frame 65; minus strand). Cytogenetic location: 11q22.3.
Variant type: single nucleotide variant.
Coding change: c.7414A>G on transcript NM_000051.4 (MANE Select); coding-DNA position 7414, A replaced by G.
Protein change: p.Asn2472Asp; replaces asparagine 2472 with aspartic acid.
Molecular consequence: missense variant. On other transcripts: intron variant (2).
Genome position (GRCh38, 1-based): chr11:108,330,320, A>G. VCF-style: chr11-108330320-A-G. GRCh37 (hg19) VCF-style: chr11-108201047-A-G.
Other names: c.7414A>G, p.Asn2472Asp (NM_001351834.2); c.641-21249T>C (NM_001330368.2); c.*38+4900T>C (NM_001351110.2); short protein forms N2472D.
Identifiers: ClinVar variation 827028 (VCV000827028.6), dbSNP rs1591160721, ClinGen allele CA382560168.